The following is an entry in ClinVar:

ClinVar aggregate classification (germline): Uncertain significance. Review status: criteria provided, multiple submitters, no conflicts (2 of 4 stars). 2 submissions from 2 submitters: Uncertain significance (2). Last evaluated 2022-10-11.

Conditions:
MHC class II deficiency. Also called: Bare lymphocyte syndrome 2; BLS, TYPE II. Identifiers: Orphanet 572, MedGen C5447452, MONDO:0008855.

Allele frequency attached by ClinVar (database versions not stated): gnomAD exomes 0.00001 and 0.00002; TOPMed 0.00002; ExAC 0.00003; gnomAD 0.00003.
gnomAD v4.1: 16 of 1,613,686 alleles (0.00099%); highest among the groups gnomAD compares: Middle Eastern, 0.016%; no homozygotes.

Submissions (2):

Labcorp Genetics (formerly Invitae), Labcorp
Classification: Uncertain significance for MHC class II deficiency. Last evaluated: 2022-10-11. Review status: criteria provided, single submitter. Criteria: Invitae Variant Classification Sherloc (09022015). Collection method: clinical testing. Allele origin: germline.
Comment: This sequence change replaces alanine, which is neutral and non-polar, with threonine, which is neutral and polar, at codon 779 of the CIITA protein (p.Ala779Thr). This variant is present in population databases (rs747159521, gnomAD 0.007%). This variant has not been reported in the literature in individuals affected with CIITA-related conditions. ClinVar contains an entry for this variant (Variation ID: 1195938). Algorithms developed to predict the effect of missense changes on protein structure and function output the following: SIFT: "Tolerated"; PolyPhen-2: "Benign"; Align-GVGD: "Class C0". The threonine amino acid residue is found in multiple mammalian species, which suggests that this missense change does not adversely affect protein function. In summary, the available evidence is currently insufficient to determine the role of this variant in disease. Therefore, it has been classified as a Variant of Uncertain Significance.

Genome-Nilou Lab
Classification: Uncertain significance for MHC class II deficiency 1. Last evaluated: 2021-07-14. Review status: criteria provided, single submitter. Criteria: ACMG Guidelines, 2015. Collection method: clinical testing. Allele origin: germline. Affected: no.

NM_000246.4(CIITA):c.2335G>A (p.Ala779Thr)

Gene: CIITA (class II major histocompatibility complex transactivator; plus strand). Cytogenetic location: 16p13.13.
Variant type: single nucleotide variant.
Coding change: c.2335G>A on transcript NM_000246.4 (MANE Select); coding-DNA position 2335, G replaced by A.
Protein change: p.Ala779Thr; replaces alanine 779 with threonine.
Molecular consequence: missense variant. On other transcripts: intron variant (1).
Genome position (GRCh38, 1-based): chr16:10,907,827, G>A. VCF-style: chr16-10907827-G-A. GRCh37 (hg19) VCF-style: chr16-11001684-G-A.
Other names: c.2338G>A, p.Ala780Thr (NM_001286402.1, NM_001379332.1); c.2191G>A, p.Ala731Thr (NM_001379330.1); c.2188G>A, p.Ala730Thr (NM_001379331.1); c.2335G>A, p.Ala779Thr (NM_001379333.1); c.2266G>A, p.Ala756Thr (NM_001379334.1); c.860-1156G>A (NM_001286403.2); short protein forms A730T, A731T, A756T, A779T, A780T.
Identifiers: ClinVar variation 1195938 (VCV001195938.5), dbSNP rs747159521, ClinGen allele CA7900353.